The following is an entry in ClinVar:

ClinVar aggregate classification (germline): Pathogenic (1 of 4 stars; one submission).

Conditions:
Retinoblastoma (RB1). Also called: RETINOBLASTOMA, SOMATIC. Identifiers: Orphanet 790, MedGen C0035335, MeSH D012175, MONDO:0008380, OMIM 180200, HP:0009919. Disease mechanism: loss of function. Inheritance: Both sporadic and heritable forms are tested..

Submission:

Labcorp Genetics (formerly Invitae), Labcorp
Classification: Pathogenic for Retinoblastoma. Last evaluated: 2018-12-20. Review status: criteria provided, single submitter. Criteria: Invitae Variant Classification Sherloc (09022015). Collection method: clinical testing. Allele origin: germline.
Comment: This sequence change affects an acceptor splice site in intron 23 of the RB1 gene. It is expected to disrupt RNA splicing and likely results in an absent or disrupted protein product. This variant is not present in population databases (ExAC no frequency). This variant has been observed in several individual affected with retinoblastoma (PMID: 24688104) and was observed to be de novo in at least one individual (Invitae). This variant is also known as c.2490-2_2490-1del in the literature. Donor and acceptor splice site variants typically lead to a loss of protein function (PMID: 16199547), and loss-of-function variants in RB1 are known to be pathogenic (PMID: 17096365). For these reasons, this variant has been classified as Pathogenic.

Literature cited by the submitters: PubMed 24688104; PubMed 17096365.

NM_000321.3(RB1):c.2490-1_2490del

Gene: RB1 (RB transcriptional corepressor 1; plus strand). Cytogenetic location: 13q14.2.
Variant type: Deletion.
Coding change: c.2490-1_2490del on transcript NM_000321.3 (MANE Select); the canonical splice acceptor site of the intron before coding-DNA position 2490 through coding-DNA position 2490, 2 bases deleted (GA; older notation c.2490-1_2490delGA).
Molecular consequence: splice acceptor variant.
Genome position (GRCh38, 1-based): chr13:48,473,359-48,473,360, GA deleted; deleting any 2 consecutive bases within chr13:48,473,358-48,473,360 gives the same sequence; the c. name uses the placement nearest the transcript's 3' end. VCF-style (leftmost placement, unchanged base first): chr13-48473357-CAG-C. GRCh37 (hg19) VCF-style: chr13-49047493-CAG-C.
Identifiers: ClinVar variation 641355 (VCV000641355.1), dbSNP rs1593544647, ClinGen allele CA915948576.